The following is an entry in ClinVar:

NM_152703.5(SAMD9L):c.2456A>G (p.His819Arg)

Gene: SAMD9L (sterile alpha motif domain containing 9 like; minus strand). Cytogenetic location: 7q21.2.
Variant type: single nucleotide variant.
Coding change: c.2456A>G on transcript NM_152703.5 (MANE Select); coding-DNA position 2456, A replaced by G.
Protein change: p.His819Arg; replaces histidine 819 with arginine.
Molecular consequence: missense variant.
Genome position (GRCh38, 1-based): chr7:93,133,516, T>C on the plus strand (A>G on the coding strand, the complement: SAMD9L is on the minus strand). VCF-style: chr7-93133516-T-C. GRCh37 (hg19) VCF-style: chr7-92762829-T-C.
Other names: c.2456A>G, p.His819Arg (NM_001303496.3, NM_001303497.3, NM_001303498.3 and 5 more transcripts); c.2456A>G (NM_152703.2); short protein forms H819R.
Identifiers: ClinVar variation 2863166 (VCV002863166.4), dbSNP rs2535420240, ClinGen allele CA368187643.

ClinVar aggregate classification (germline): Uncertain significance. Review status: criteria provided, multiple submitters, no conflicts (2 of 4 stars). 2 submissions from 2 submitters: Uncertain significance (2). Last evaluated 2025-04-11.

Conditions:
Inborn genetic diseases. Identifiers: MedGen C0950123, MeSH D030342.

Submissions (2):

Ambry Genetics
Classification: Uncertain significance for Inborn genetic diseases. Last evaluated: 2025-04-11. Review status: criteria provided, single submitter. Criteria: Ambry Variant Classification Scheme 2023. Collection method: clinical testing. Allele origin: germline.
Comment: The p.H819R variant (also known as c.2456A>G), located in coding exon 1 of the SAMD9L gene, results from an A to G substitution at nucleotide position 2456. The histidine at codon 819 is replaced by arginine, an amino acid with highly similar properties. This amino acid position is conserved. In addition, this alteration is predicted to be tolerated by in silico analysis. Based on the available evidence, the clinical significance of this variant remains unclear.

Labcorp Genetics (formerly Invitae), Labcorp
Classification: Uncertain significance. Last evaluated: 2023-05-11. Review status: criteria provided, single submitter. Criteria: Invitae Variant Classification Sherloc (09022015). Collection method: clinical testing. Allele origin: germline.
Comment: This sequence change replaces histidine, which is basic and polar, with arginine, which is basic and polar, at codon 819 of the SAMD9L protein (p.His819Arg). This variant is not present in population databases (gnomAD no frequency). This variant has not been reported in the literature in individuals affected with SAMD9L-related conditions. Advanced modeling of protein sequence and biophysical properties (such as structural, functional, and spatial information, amino acid conservation, physicochemical variation, residue mobility, and thermodynamic stability) performed at Invitae indicates that this missense variant is not expected to disrupt SAMD9L protein function. In summary, the available evidence is currently insufficient to determine the role of this variant in disease. Therefore, it has been classified as a Variant of Uncertain Significance.